The following is an entry in ClinVar:

ClinVar aggregate classification (germline): Uncertain significance. Review status: criteria provided, multiple submitters, no conflicts (2 of 4 stars). 7 submissions from 7 submitters: Uncertain significance (7). Last evaluated 2025-09-11.

Conditions:
Hereditary cancer-predisposing syndrome. Also called: Hereditary neoplastic syndrome; Neoplastic Syndromes, Hereditary; Tumor predisposition; Hereditary Cancer Syndrome. Identifiers: Orphanet 140162, MedGen C0027672, MeSH D009386, MONDO:0015356.
Nijmegen breakage syndrome-like disorder (NBSLD). Also called: MICROCEPHALY AND SPONTANEOUS CHROMOSOME INSTABILITY WITHOUT IMMUNODEFICIENCY; NBS-LIKE DISORDER; RAD50 DEFICIENCY. Identifiers: Orphanet 240760, MedGen C2751318, MONDO:0013118, OMIM 613078.

Allele frequency attached by ClinVar (database versions not stated): gnomAD exomes 0.00002 and 0.00005; ExAC 0.00005; ESP Exome Variant Server 0.00008; TOPMed 0.00015; 1000 Genomes Project 30x 0.00016; gnomAD 0.00016 and 0.00017; 1000 Genomes Project 0.00020.
gnomAD v4.1: 55 of 1,611,504 alleles (0.0034%); highest among the groups gnomAD compares: African/African-American, 0.065%; no homozygotes.

Submissions (7):

Labcorp Genetics (formerly Invitae), Labcorp
Classification: Uncertain significance for Hereditary cancer-predisposing syndrome. Last evaluated: 2025-09-11. Review status: criteria provided, single submitter. Criteria: Invitae Variant Classification Sherloc (09022015). Collection method: clinical testing. Allele origin: germline.
Comment: This sequence change replaces glycine, which is neutral and non-polar, with glutamic acid, which is acidic and polar, at codon 968 of the RAD50 protein (p.Gly968Glu). This variant is present in population databases (rs199895166, gnomAD 0.07%). This missense change has been observed in individual(s) with breast cancer and endometrial cancer (PMID: 25452441, 27016235). ClinVar contains an entry for this variant (Variation ID: 184957). Invitae Evidence Modeling of protein sequence and biophysical properties (such as structural, functional, and spatial information, amino acid conservation, physicochemical variation, residue mobility, and thermodynamic stability) indicates that this missense variant is not expected to disrupt RAD50 protein function with a negative predictive value of 80%. In summary, the available evidence is currently insufficient to determine the role of this variant in disease. Therefore, it has been classified as a Variant of Uncertain Significance.

Quest Diagnostics Nichols Institute San Juan Capistrano
Classification: Uncertain significance. Last evaluated: 2024-10-31. Review status: criteria provided, single submitter. Criteria: Quest Diagnostics criteria. Collection method: clinical testing. Allele origin: unknown.
Comment: The RAD50 c.2903G>A (p.Gly968Glu) variant has been reported in the published literature in individuals affected with uterine serous carcinoma (PMID: 27016235 (2016)), kidney renal clear cell carcinoma (PMID: 26689913 (2015)), and breast cancer (PMIDs: 33471991 (2021), 25452441 (2015), see also see also LOVD). The frequency of this variant in the general population, 0.00062 (15/24030 chromosomes in African/African American subpopulation (Genome Aggregation Database)), is higher than would generally be expected for pathogenic variants in this gene. Analysis of this variant using bioinformatics tools for the prediction of the effect of amino acid changes on protein structure and function yielded conflicting predictions that this variant is benign or damaging. Based on the available information, we are unable to determine the clinical significance of this variant.

Baylor Genetics
Classification: Uncertain significance for Nijmegen breakage syndrome-like disorder. Last evaluated: 2024-02-03. Review status: criteria provided, single submitter. Criteria: ACMG Guidelines, 2015. Collection method: clinical testing. Allele origin: unknown.

Women's Health and Genetics/Laboratory Corporation of America, LabCorp
Classification: Uncertain significance. Last evaluated: 2023-07-13. Review status: criteria provided, single submitter. Criteria: LabCorp Variant Classification Summary - May 2015. Collection method: clinical testing. Allele origin: germline.
Comment: Variant summary: RAD50 c.2903G>A (p.Gly968Glu) results in a non-conservative amino acid change in the encoded protein sequence. Three of five in-silico tools predict a damaging effect of the variant on protein function. The variant allele was found at a frequency of 5.2e-05 in 248662 control chromosomes in gnomAD. This frequency is not significantly higher than estimated for a pathogenic variant in RAD50 causing Hereditary Breast And Ovarian Cancer Syndrome (5.2e-05 vs 6.3e-05), allowing no conclusion about variant significance. c.2903G>A has been reported in the literature in individuals affected with uterine serous carcinoma or Breast Cancer without strong evidence for causality (example: Couch_2015, Frimer_2016). These reports do not provide unequivocal conclusions about association of the variant with Hereditary Breast And Ovarian Cancer Syndrome. To our knowledge, no experimental evidence demonstrating an impact on protein function has been reported. The following publications have been ascertained in the context of this evaluation (PMID: 25452441, 27016235). Four submitters have cited clinical-significance assessments for this variant to ClinVar after 2014. All submitters classified the variant as uncertain significance. Based on the evidence outlined above, the variant was classified as uncertain significance.

Ambry Genetics
Classification: Uncertain significance for Hereditary cancer-predisposing syndrome. Last evaluated: 2023-02-17. Review status: criteria provided, single submitter. Criteria: Ambry Variant Classification Scheme 2023. Collection method: clinical testing. Allele origin: germline.
Comment: The p.G968E variant (also known as c.2903G>A), located in coding exon 18 of the RAD50 gene, results from a G to A substitution at nucleotide position 2903. The glycine at codon 968 is replaced by glutamic acid, an amino acid with similar properties. This alteration has been detected in 1/1824 patients with triple negative breast cancer who were unselected for a family history of breast or ovarian cancer (Couch FJ et al. J. Clin. Oncol., 2015 Feb;33:304-11). This alteration was reported in 1/60,466 breast cancer cases and in 0/53,461 controls (Dorling et al. N Engl J Med. 2021 02;384:428-439). This alteration was detected in a patient with uterine serous carcinoma (Frimer M et al. Gynecol Oncol, 2016 Apr;141:101-7). This variant was also identified in a cohort of 3,579 African males diagnosed with prostate cancer who underwent multi-gene panel testing of 19 DNA repair and cancer predisposition genes (Matejcic M et al. JCO Precis Oncol, 2020 Jan;4:32-43). This amino acid position is highly conserved in available vertebrate species. In addition, this alteration is predicted to be deleterious by in silico analysis. Since supporting evidence is limited at this time, the clinical significance of this alteration remains unclear.

Fulgent Genetics
Classification: Uncertain significance for Nijmegen breakage syndrome-like disorder. Last evaluated: 2022-04-18. Review status: criteria provided, single submitter. Criteria: ACMG Guidelines, 2015. Collection method: clinical testing. Allele origin: unknown.

Sema4
Classification: Uncertain significance for Nijmegen breakage syndrome-like disorder. Last evaluated: 2022-02-02. Review status: criteria provided, single submitter. Criteria: Sema4 Curation Guidelines. Collection method: curation. Allele origin: germline.
Comment: The RAD50 c.2903G>A (p.G968E) variant has been reported in individuals with breast cancer (PMID: 25452441, 27016235, 33471991), uterous serous carcinoma (PMID: 27016235), and kidney cancer (PMID: 26689913). This variant was observed in 15/24030 chromosomes in the African/African American population, according to the Genome Aggregation Database (PMID: 32461654). This variant has been reported in ClinVar (Variation ID: 184957). Functional studies have not been performed, and in silico predictions of the variant's effect on protein function are inconclusive. The evidence is insufficient to meet ACMG/AMP criteria for classifying the variant as benign or pathogenic. Thus, the clinical significance of this variant is currently uncertain.

Literature cited by the submitters: PubMed 25452441 (cited by 5 submitters); PubMed 27016235 (cited by 5 submitters); PubMed 32832836 (cited by Quest Diagnostics Nichols Institute San Juan Capistrano and Ambry Genetics); PubMed 26689913 (cited by Quest Diagnostics Nichols Institute San Juan Capistrano and Sema4); PubMed 33471991 (cited by Ambry Genetics and Sema4).

NM_005732.4(RAD50):c.2903G>A (p.Gly968Glu)

Gene: RAD50 (RAD50 double strand break repair protein; plus strand). Cytogenetic location: 5q31.1.
Variant type: single nucleotide variant.
Coding change: c.2903G>A on transcript NM_005732.4 (MANE Select); coding-DNA position 2903, G replaced by A.
Protein change: p.Gly968Glu; replaces glycine 968 with glutamic acid.
Molecular consequence: missense variant.
Genome position (GRCh38, 1-based): chr5:132,609,190, G>A. VCF-style: chr5-132609190-G-A. GRCh37 (hg19) VCF-style: chr5-131944882-G-A.
Other names: short protein forms G968E.
Identifiers: ClinVar variation 184957 (VCV000184957.20), dbSNP rs199895166, ClinGen allele CA333865.